The following is an entry in ClinVar:

NM_001173990.3(TMEM216):c.432-10delinsAC

Gene: TMEM216 (transmembrane protein 216; plus strand). Cytogenetic location: 11q12.2.
Variant type: Indel.
Coding change: c.432-10delinsAC on transcript NM_001173990.3 (MANE Select); 10 bases into the intron before coding-DNA position 432, G replaced by AC.
Molecular consequence: intron variant. On other transcripts: splice acceptor variant (2).
Genome position (GRCh38, 1-based): chr11:61,398,260, G replaced by AC. VCF-style: chr11-61398260-G-AC. GRCh37 (hg19) VCF-style: chr11-61165732-G-AC.
Other names: c.249-1delinsAC (NM_016499.6); c.249-10delinsAC (NM_001330285.2); c.432-1delinsAC (NM_001173991.3).
Identifiers: ClinVar variation 552510 (VCV000552510.5), dbSNP rs1554973021, ClinGen allele CA658822744.
Genomic context (GRCh38, chr11:61,398,260, plus strand): 5'-CAGTCGAGGCCAGCTGCTCTCATTCACTGGTCTTTTAACATTTTCTTTCTTTCTGCCATC[G>AC]TATGGACAGGATTTGAAGTACAGAATTTCAGCCAGCAGCCCATCAGGCTGACACCACACA-3'

ClinVar aggregate classification (germline): Uncertain significance. Review status: criteria provided, single submitter (1 of 4 stars). 2 submissions from 2 submitters: Uncertain significance (1). 1 of the submissions does not count toward it. Last evaluated 2026-03-23.

Conditions:
Joubert syndrome 2 (JBTS2). Also called: CEREBELLOOCULORENAL SYNDROME 2. Identifiers: Orphanet 2318, MedGen C1842577, MONDO:0011963, OMIM 608091.
Meckel syndrome, type 2 (MKS2). Also called: MECKEL-GRUBER SYNDROME, TYPE 2; MKS2-Related Meckel Syndrome. Identifiers: Orphanet 564, MedGen C1864148, MONDO:0011296, OMIM 603194.

Submissions (2):

Women's Health and Genetics/Laboratory Corporation of America, LabCorp
Classification: Uncertain significance. Last evaluated: 2026-03-23. Review status: criteria provided, single submitter. Criteria: LabCorp Variant Classification Summary - May 2015. Collection method: clinical testing. Allele origin: germline.
Comment: Variant summary: TMEM216 c.432-10delinsAC alters a nucleotide located at a position not widely known to affect splicing. Several computational tools predict a significant impact on normal splicing: Two predict the variant weakens a 3' acceptor site. One predict the variant no significant impact on splicing. However, these predictions have yet to be confirmed by functional studies. The variant was absent in 5008 control chromosomes. The available data on variant occurrences in the general population are insufficient to allow any conclusion about variant significance. To our knowledge, no occurrence of c.432-10delinsAC in individuals affected with TMEM216-related conditions and no experimental evidence demonstrating its impact on protein function have been reported. ClinVar contains an entry for this variant (Variation ID: 552510). Based on the evidence outlined above, the variant was classified as uncertain significance.

Counsyl
Classification: Uncertain significance for Meckel syndrome, type 2; Joubert syndrome 2. Last evaluated: 2017-06-13. Review status: no assertion criteria provided. Collection method: clinical testing. Allele origin: unknown. Not counted in ClinVar's aggregate classification.